The following is an entry in ClinVar:

ClinVar aggregate classification (germline): Uncertain significance (1 of 4 stars; one submission).

Conditions:
Angelman syndrome (AS). Also called: HAPPY PUPPET SYNDROME. Identifiers: Orphanet 72, MedGen C0162635, MONDO:0007113, OMIM 105830. Disease mechanism: loss of function. Inheritance: AS is caused by disruption of maternally imprinted UBE3A located within the 15q11.2-q13 Angelman syndrome/Prader-Willi syndrome (AS/PWS) region., imprinting disorder.

Submission:

Labcorp Genetics (formerly Invitae), Labcorp
Classification: Uncertain significance for Angelman syndrome. Last evaluated: 2022-03-04. Review status: criteria provided, single submitter. Criteria: Invitae Variant Classification Sherloc (09022015). Collection method: clinical testing. Allele origin: germline.
Comment: In summary, the available evidence is currently insufficient to determine the role of this variant in disease. Therefore, it has been classified as a Variant of Uncertain Significance. Experimental studies and prediction algorithms are not available or were not evaluated, and the functional significance of this variant is currently unknown. This variant has not been reported in the literature in individuals affected with UBE3A-related conditions. This variant is not present in population databases (gnomAD no frequency). This variant, c.1116_1118del, results in the deletion of 1 amino acid(s) of the UBE3A protein (p.Glu372del), but otherwise preserves the integrity of the reading frame.

NM_130839.5(UBE3A):c.1173AGA[1] (p.Glu392del)

Genes: SNHG14 (small nucleolar RNA host gene 14; plus strand), UBE3A (ubiquitin protein ligase E3A; minus strand). Cytogenetic location: 15q11.2.
Variant type: Microsatellite.
Coding change: c.1173AGA[1] on transcript NM_130839.5 (MANE Select); one copy of the 3-base unit AGA starting at c.1173; the reference has two copies in a row; one copy, 3 bases deleted.
Protein change: p.Glu392del; deletes glutamic acid 392.
Molecular consequence: inframe deletion. On other transcripts: non-coding transcript variant (1), intron variant (2).
Genome position (GRCh38, 1-based): chr15:25,370,996-25,370,998, TCT deleted on the plus strand (AGA on the coding strand, the reverse complement: UBE3A is on the minus strand); deleting any 3 consecutive bases within chr15:25,370,996-25,371,003 gives the same sequence; the position shown is the placement nearest the transcript's 3' end. VCF-style (leftmost placement, unchanged base first): chr15-25370995-ATCT-A. GRCh37 (hg19) VCF-style: chr15-25616142-ATCT-A.
Other names: c.1113AGA[1], p.Glu372del (NM_001354511.2, NM_001354512.2, NM_001354513.2 and 17 more transcripts); c.1173AGA[1], p.Glu392del (NM_001354538.2, NM_001354505.1, NM_001354545.2); c.301+4467_301+4469del (NM_001354551.2); c.361+4467_361+4469del (NM_001354550.2); c.1182AGA[1], p.Glu395del (NM_000462.5); c.996AGA[1], p.Glu333del (NM_001354546.2); short protein forms E372del, E392del, E395del, E333del.
Identifiers: ClinVar variation 2106041 (VCV002106041.4), dbSNP rs2552191604, ClinGen allele CA2580613781.